The following is an entry in ClinVar:

ClinVar aggregate classification (germline): Uncertain significance (1 of 4 stars; one submission).

Allele frequency attached by ClinVar (database versions not stated): gnomAD exomes 0.00006; TOPMed 0.00008; gnomAD 0.00014 and 0.00016.
gnomAD v4.1: 45 of 1,611,824 alleles (0.0028%); highest among the groups gnomAD compares: Admixed American, 0.06%; no homozygotes.

Submission:

Labcorp Genetics (formerly Invitae), Labcorp
Classification: Uncertain significance. Last evaluated: 2025-10-21. Review status: criteria provided, single submitter. Criteria: Invitae Variant Classification Sherloc (09022015). Collection method: clinical testing. Allele origin: germline.
Comment: This sequence change replaces proline, which is neutral and non-polar, with leucine, which is neutral and non-polar, at codon 582 of the EXTL3 protein (p.Pro582Leu). The frequency data for this variant in the population databases is considered unreliable, as metrics indicate poor data quality at this position in the gnomAD database. This variant has not been reported in the literature in individuals affected with EXTL3-related conditions. ClinVar contains an entry for this variant (Variation ID: 1414072). Invitae Evidence Modeling of protein sequence and biophysical properties (such as structural, functional, and spatial information, amino acid conservation, physicochemical variation, residue mobility, and thermodynamic stability) indicates that this missense variant is not expected to disrupt EXTL3 protein function with a negative predictive value of 80%. In summary, the available evidence is currently insufficient to determine the role of this variant in disease. Therefore, it has been classified as a Variant of Uncertain Significance.

NM_001440.4(EXTL3):c.1745C>T (p.Pro582Leu)

Gene: EXTL3 (exostosin like glycosyltransferase 3; plus strand). Cytogenetic location: 8p21.1.
Variant type: single nucleotide variant.
Coding change: c.1745C>T on transcript NM_001440.4 (MANE Select); coding-DNA position 1745, C replaced by T.
Protein change: p.Pro582Leu; replaces proline 582 with leucine.
Molecular consequence: missense variant.
Genome position (GRCh38, 1-based): chr8:28,717,804, C>T. VCF-style: chr8-28717804-C-T. GRCh37 (hg19) VCF-style: chr8-28575321-C-T.
Other names: short protein forms P582L.
Identifiers: ClinVar variation 1414072 (VCV001414072.4), dbSNP rs372319537, ClinGen allele CA4696283.